The following is an entry in ClinVar:

NM_000207.3(INS):c.*30C>T

Genes: INS (insulin; minus strand), INS-IGF2 (INS-IGF2 readthrough; minus strand). Cytogenetic location: 11p15.5.
Variant type: single nucleotide variant.
Coding change: c.*30C>T on transcript NM_000207.3 (MANE Select); 30 bases downstream of the stop codon, C replaced by T.
Molecular consequence: 3 prime UTR variant. On other transcripts: intron variant (1).
Genome position (GRCh38, 1-based): chr11:2,159,822, G>A on the plus strand (C>T on the coding strand, the complement: INS is on the minus strand). VCF-style: chr11-2159822-G-A. GRCh37 (hg19) VCF-style: chr11-2181052-G-A.
Other names: c.*30C>T (NM_001185097.2, NM_001185098.2, NM_001291897.2); c.187+963C>T (NM_001042376.3).
Identifiers: ClinVar variation 3895818 (VCV003895818.1).
Genomic context (GRCh38, chr11:2,159,822, plus strand): 5'-ACAGACGGCACAGCAGGGCTGGTTCAAGGGCTTTATTCCATCTCTCTCGGTGCAGGAGGC[G>A]GCGGGTGTGGGGCTGCCTGCGGGCTGCGTCTAGTTGCAGTAGTTCTCCAGCTGGTAGAGG-3'

ClinVar aggregate classification (germline): Benign (1 of 4 stars; one submission).

gnomAD v4.1: 11 of 1,607,720 alleles (0.00068%); highest among the groups gnomAD compares: South Asian, 0.0033%; no homozygotes.

Submission:

Women's Health and Genetics/Laboratory Corporation of America, LabCorp
Classification: Benign. Last evaluated: 2025-03-05. Review status: criteria provided, single submitter. Criteria: LabCorp Variant Classification Summary - May 2015. Collection method: clinical testing. Allele origin: germline.
Comment: Variant summary: INS c.*30C>T is located in the untranslated mRNA region downstream of the termination codon. The variant allele was found at a frequency of 6.8e-06 in 1607720 control chromosomes. The observed variant frequency is approximately 10.95 fold of the estimated maximal expected allele frequency for a pathogenic variant in INS causing Monogenic Diabetes phenotype (6.3e-07). To our knowledge, no occurrence of c.*30C>T in individuals affected with Monogenic Diabetes and no experimental evidence demonstrating its impact on protein function have been reported. No submitters have cited clinical-significance assessments for this variant to ClinVar. Based on the evidence outlined above, the variant was classified as benign.